The following is an entry in ClinVar:

NM_080680.3(COL11A2):c.217C>T (p.Arg73Cys)

Gene: COL11A2 (collagen type XI alpha 2 chain; minus strand). Cytogenetic location: 6p21.32.
Variant type: single nucleotide variant.
Coding change: c.217C>T on transcript NM_080680.3 (MANE Select); coding-DNA position 217, C replaced by T.
Protein change: p.Arg73Cys; replaces arginine 73 with cysteine.
Molecular consequence: missense variant.
Genome position (GRCh38, 1-based): chr6:33,189,335, G>A on the plus strand (C>T on the coding strand, the complement: COL11A2 is on the minus strand). VCF-style: chr6-33189335-G-A. GRCh37 (hg19) VCF-style: chr6-33157112-G-A.
Other names: c.217C>T, p.Arg73Cys (NM_001163771.2, NM_080679.3, NM_080681.3); short protein forms R73C.
Identifiers: ClinVar variation 2077681 (VCV002077681.2), dbSNP rs749748036, ClinGen allele CA3751740.
Genomic context (GRCh38, chr6:33,189,335, plus strand): 5'-ATCCCATTACCTCCCCCCAGGCCTACCCCACCATGTCACCCATACCTGGGAAAAGCTGGC[G>A]AGTGGGTGCACTGAGCTGGGCAGGTCGTGCCACTCGGTAGGCCACATCAGCTGGACAGAT-3'
Protein context (NP_542411.2, residues 63-83): ARPAQLSAPT[Arg73Cys]QLFPGGFPKD

ClinVar aggregate classification (germline): Uncertain significance. Review status: criteria provided, multiple submitters, no conflicts (2 of 4 stars). 2 submissions from 2 submitters: Uncertain significance (2). Last evaluated 2024-03-14.

Allele frequency attached by ClinVar (database versions not stated): TOPMed below 0.00001; ExAC 0.00001; gnomAD 0.00001; gnomAD exomes 0.00001.
gnomAD v4.1: 16 of 1,613,560 alleles (0.00099%); highest among the groups gnomAD compares: Admixed American, 0.0033%; no homozygotes.

Submissions (2):

Blueprint Genetics
Classification: Uncertain significance. Last evaluated: 2024-03-14. Review status: criteria provided, single submitter. Criteria: ACMG Guidelines, 2015. Collection method: clinical testing. Allele origin: germline.

Labcorp Genetics (formerly Invitae), Labcorp
Classification: Uncertain significance. Last evaluated: 2022-07-11. Review status: criteria provided, single submitter. Criteria: Invitae Variant Classification Sherloc (09022015). Collection method: clinical testing. Allele origin: germline.
Comment: This sequence change replaces arginine, which is basic and polar, with cysteine, which is neutral and slightly polar, at codon 73 of the COL11A2 protein (p.Arg73Cys). This variant is present in population databases (rs749748036, gnomAD 0.01%). This variant has not been reported in the literature in individuals affected with COL11A2-related conditions. Advanced modeling of protein sequence and biophysical properties (such as structural, functional, and spatial information, amino acid conservation, physicochemical variation, residue mobility, and thermodynamic stability) performed at Invitae indicates that this missense variant is not expected to disrupt COL11A2 protein function. In summary, the available evidence is currently insufficient to determine the role of this variant in disease. Therefore, it has been classified as a Variant of Uncertain Significance.